The following is an entry in ClinVar:

ClinVar aggregate classification (germline): Uncertain significance. Review status: criteria provided, single submitter (1 of 4 stars). 2 submissions from 2 submitters: Uncertain significance (1). 1 of the submissions does not count toward it. Last evaluated 2023-10-17.

Conditions:
Maturity-onset diabetes of the young type 1. Also called: MILD JUVENILE DIABETES MELLITUS; MODY type 1; Diabetes mellitus MODY type 1; MODY HNF4A related; HNF4A-Related Maturity-Onset Diabetes of the Young Type 1; MODY, type I. Identifiers: Orphanet 552, MedGen C1852093, MONDO:0007452, OMIM 125850. Disease mechanism: loss of function.

Submissions (2):

Women's Health and Genetics/Laboratory Corporation of America, LabCorp
Classification: Uncertain significance. Last evaluated: 2023-10-17. Review status: criteria provided, single submitter. Criteria: LabCorp Variant Classification Summary - May 2015. Collection method: clinical testing. Allele origin: germline.
Comment: Variant summary: HNF4A c.319+5G>C alters a conserved nucleotide located close to a canonical splice site and therefore could affect mRNA splicing, leading to a significantly altered protein sequence. Several computational tools predict a significant impact on normal splicing: One predicts the variant abolishes the canonical 5' splicing donor site and three predict the variant weakens the 5' donor site. However, these predictions have yet to be confirmed by functional studies. The variant was absent in 199386 control chromosomes (gnomAD). The available data on variant occurrences in the general population are insufficient to allow any conclusion about variant significance. To our knowledge, no occurrence of c.319+5G>C in individuals affected with Maturity Onset Diabetes Of The Young 1/Neonatal Diabetes Mellitus and no experimental evidence demonstrating its impact on protein function have been reported. No submitters have cited clinical-significance assessments for this variant to ClinVar after 2014. Based on the evidence outlined above, the variant was classified as uncertain significance.

Cardiovascular Genetics Laboratory, PathWest Laboratory Medicine WA - Fiona Stanley Hospital
Classification: Uncertain significance for Maturity-onset diabetes of the young type 1. Last evaluated: 2024-07-24. Review status: no assertion criteria provided. Criteria: ACMG Guidelines, 2015. Collection method: clinical testing. Allele origin: germline. Affected: yes. Not counted in ClinVar's aggregate classification.

NM_175914.5(HNF4A):c.319+5G>C

Gene: HNF4A (hepatocyte nuclear factor 4 alpha; plus strand). Cytogenetic location: 20q13.12.
Variant type: single nucleotide variant.
Coding change: c.319+5G>C on transcript NM_175914.5 (MANE Select); 5 bases into the intron after coding-DNA position 319, G replaced by C.
Molecular consequence: intron variant.
Genome position (GRCh38, 1-based): chr20:44,407,480, G>C. VCF-style: chr20-44407480-G-C. GRCh37 (hg19) VCF-style: chr20-43036120-G-C.
Other names: c.310+5G>C (NM_001287182.2, NM_001287183.2, NM_001287184.2); c.319+5G>C (NM_001030003.3, NM_001030004.3); c.364+5G>C (NM_001258355.2); c.385+5G>C (NM_178849.3, NM_000457.6, NM_178850.3).
Identifiers: ClinVar variation 2637790 (VCV002637790.2), dbSNP rs2515651360, ClinGen allele CA2695201401.